The following is an entry in ClinVar:

ClinVar aggregate classification (germline): Uncertain significance (1 of 4 stars; one submission).

Conditions:
Severe combined immunodeficiency due to DNA-PKcs deficiency. Also called: IMMUNODEFICIENCY 26 WITH NEUROLOGIC ABNORMALITIES; Immunodeficiency 26 with or without neurologic abnormalities. Identifiers: Orphanet 317425, MedGen C4014833, MONDO:0014423, OMIM 615966.

gnomAD v4.1: 3 of 1,613,990 alleles (0.00019%); highest among the groups gnomAD compares: South Asian, 0.0011%; no homozygotes.

Submission:

Labcorp Genetics (formerly Invitae), Labcorp
Classification: Uncertain significance for Severe combined immunodeficiency due to DNA-PKcs deficiency. Last evaluated: 2022-08-09. Review status: criteria provided, single submitter. Criteria: Invitae Variant Classification Sherloc (09022015). Collection method: clinical testing. Allele origin: germline.
Comment: This sequence change replaces lysine, which is basic and polar, with glutamic acid, which is acidic and polar, at codon 4048 of the PRKDC protein (p.Lys4048Glu). This variant is not present in population databases (gnomAD no frequency). This variant has not been reported in the literature in individuals affected with PRKDC-related conditions. ClinVar contains an entry for this variant (Variation ID: 1000710). Experimental studies and prediction algorithms are not available or were not evaluated, and the functional significance of this variant is currently unknown. In summary, the available evidence is currently insufficient to determine the role of this variant in disease. Therefore, it has been classified as a Variant of Uncertain Significance.

NM_006904.7(PRKDC):c.12142A>G (p.Lys4048Glu)

Gene: PRKDC (protein kinase, DNA-activated, catalytic subunit; minus strand). Cytogenetic location: 8q11.21.
Variant type: single nucleotide variant.
Coding change: c.12142A>G on transcript NM_006904.7 (MANE Select); coding-DNA position 12142, A replaced by G.
Protein change: p.Lys4048Glu; replaces lysine 4048 with glutamic acid.
Molecular consequence: missense variant.
Genome position (GRCh38, 1-based): chr8:47,776,884, T>C on the plus strand (A>G on the coding strand, the complement: PRKDC is on the minus strand). VCF-style: chr8-47776884-T-C. GRCh37 (hg19) VCF-style: chr8-48689445-T-C.
Other names: c.12049A>G, p.Lys4017Glu (NM_001081640.2); short protein forms K4017E, K4048E.
Identifiers: ClinVar variation 1000710 (VCV001000710.4), dbSNP rs773752536, ClinGen allele CA371126994.